The following is an entry in ClinVar:

NM_000077.5(CDKN2A):c.276C>G (p.Asp92Glu)

Gene: CDKN2A (cyclin dependent kinase inhibitor 2A; minus strand). Cytogenetic location: 9p21.3.
Variant type: single nucleotide variant.
Coding change: c.276C>G on transcript NM_000077.5; coding-DNA position 276, C replaced by G.
Protein change: p.Asp92Glu; replaces aspartic acid 92 with glutamic acid.
Molecular consequence: missense variant (on NM_000077.6). On other transcripts: 3 prime UTR variant (1).
Genome position (GRCh38, 1-based): chr9:21,971,083, G>C on the plus strand (C>G on the coding strand, the complement: CDKN2A is on the minus strand). VCF-style: chr9-21971083-G-C. GRCh37 (hg19) VCF-style: chr9-21971082-G-C.
Other names: c.276C>G, p.Asp92Glu (NM_000077.6, NM_001195132.2); c.123C>G, p.Asp41Glu (NM_001363763.2); c.319C>G, p.His107Asp (NM_058195.4); c.*199C>G (NM_058197.5); short protein forms D92E, D41E, H107D.
Identifiers: ClinVar variation 1795780 (VCV001795780.2), dbSNP rs1587331567, ClinGen allele CA373086169.

ClinVar aggregate classification (germline): Uncertain significance (1 of 4 stars; one submission).

Conditions:
Hereditary cancer-predisposing syndrome. Also called: Hereditary neoplastic syndrome; Neoplastic Syndromes, Hereditary; Tumor predisposition; Hereditary Cancer Syndrome. Identifiers: Orphanet 140162, MedGen C0027672, MeSH D009386, MONDO:0015356.

Submission:

Ambry Genetics
Classification: Uncertain significance for Hereditary cancer-predisposing syndrome. Last evaluated: 2020-02-07. Review status: criteria provided, single submitter. Criteria: Ambry Variant Classification Scheme 2023. Collection method: clinical testing. Allele origin: germline.
Comment: The p.D92E variant (also known as c.276C>G), located in coding exon 2 of the CDKN2A gene, results from a C to G substitution at nucleotide position 276. The aspartic acid at codon 92 is replaced by glutamic acid, an amino acid with highly similar properties. This amino acid position is well conserved in available vertebrate species. In addition, the in silico prediction for this alteration is inconclusive. Since supporting evidence is limited at this time, the clinical significance of this alteration remains unclear.